The following is an entry in ClinVar:

NM_013275.6(ANKRD11):c.6119G>A (p.Gly2040Glu)

Gene: ANKRD11 (ankyrin repeat domain containing 11; minus strand). Cytogenetic location: 16q24.3.
Variant type: single nucleotide variant.
Coding change: c.6119G>A on transcript NM_013275.6 (MANE Select); coding-DNA position 6119, G replaced by A.
Protein change: p.Gly2040Glu; replaces glycine 2040 with glutamic acid.
Molecular consequence: missense variant.
Genome position (GRCh38, 1-based): chr16:89,280,423, C>T on the plus strand (G>A on the coding strand, the complement: ANKRD11 is on the minus strand). VCF-style: chr16-89280423-C-T. GRCh37 (hg19) VCF-style: chr16-89346831-C-T.
Other names: c.6119G>A, p.Gly2040Glu (NM_001256182.2, NM_001256183.2); short protein forms G2040E.
Identifiers: ClinVar variation 2229088 (VCV002229088.2), dbSNP rs1364401384, ClinGen allele CA397152044.

ClinVar aggregate classification (germline): Uncertain significance (1 of 4 stars; one submission).

Conditions:
Inborn genetic diseases. Identifiers: MedGen C0950123, MeSH D030342.

gnomAD v4.1: 5 of 1,572,280 alleles (0.00032%); highest among the groups gnomAD compares: South Asian, 0.0046%; no homozygotes.

Submission:

Ambry Genetics
Classification: Uncertain significance for Inborn genetic diseases. Last evaluated: 2021-02-01. Review status: criteria provided, single submitter. Criteria: Ambry Variant Classification Scheme 2023. Collection method: clinical testing. Allele origin: germline.
Comment: The c.6119G>A (p.G2040E) alteration is located in exon 9 (coding exon 7) of the ANKRD11 gene. This alteration results from a G to A substitution at nucleotide position 6119, causing the glycine (G) at amino acid position 2040 to be replaced by a glutamic acid (E). The p.G2040E alteration is predicted to be tolerated by in silico analysis. Based on insufficient or conflicting evidence, the clinical significance of this alteration remains unclear.